The following is an entry in ClinVar:

ClinVar aggregate classification (germline): Pathogenic/Likely pathogenic. Review status: criteria provided, multiple submitters, no conflicts (2 of 4 stars). 3 submissions from 3 submitters: Pathogenic (1); Likely pathogenic (2). Last evaluated 2022-04-05.

Conditions:
Congenital diarrhea 5 with tufting enteropathy. Also called: Congenital tufting enteropathy; INTESTINAL EPITHELIAL CELL DYSPLASIA. Identifiers: Orphanet 92050, MedGen C2750737, MONDO:0013184, OMIM 613217.

Allele frequency attached by ClinVar (database versions not stated): TOPMed 0.00001; ExAC 0.00004.

Submissions (3):

GeneDx
Classification: Pathogenic. Last evaluated: 2022-04-05. Review status: criteria provided, single submitter. Criteria: GeneDx Variant Classification Process June 2021. Collection method: clinical testing. Allele origin: germline. Affected: yes.
Comment: Nonsense variant predicted to result in protein truncation or nonsense mediated decay in a gene for which loss of function is a known mechanism of disease; Not observed at significant frequency in large population cohorts (gnomAD); This variant is associated with the following publications: (PMID: 30613976, 33083013)

CENTOGENE GmbH and LLC - Guiding Precision Medicine
Classification: Likely pathogenic for Diarrhea with congenital tufting enteropathy type 5. Review status: criteria provided, single submitter. Criteria: ACMG Guidelines, 2015. Collection method: clinical testing. Allele origin: germline. Affected: yes.

Juno Genomics, Hangzhou Juno Genomics, Inc
Classification: Likely pathogenic for Congenital diarrhea 5 with tufting enteropathy. Review status: criteria provided, single submitter. Criteria: ACMG Guidelines, 2015. Collection method: clinical testing. Allele origin: germline. Affected: yes.
Comment: Absent from controls (or at extremely low frequency if recessive) in Genome Aggregation Database, Exome Sequencing Project, 1000 Genomes Project, or Exome Aggregation Consortium.;Null variant in a gene where loss of function (LOF) is a known mechanism of disease.

NM_002354.3(EPCAM):c.13C>T (p.Gln5Ter)

Gene: EPCAM (epithelial cell adhesion molecule; plus strand). Cytogenetic location: 2p21.
Variant type: single nucleotide variant.
Coding change: c.13C>T on transcript NM_002354.3 (MANE Select); coding-DNA position 13, C replaced by T.
Protein change: p.Gln5Ter; replaces glutamine 5 with a stop codon.
Molecular consequence: nonsense.
Genome position (GRCh38, 1-based): chr2:47,369,518, C>T. VCF-style: chr2-47369518-C-T. GRCh37 (hg19) VCF-style: chr2-47596657-C-T.
Other names: short protein forms Q5*.
Identifiers: ClinVar variation 973534 (VCV000973534.4), dbSNP rs747738988, ClinGen allele CA1648804.